The following is an entry in ClinVar:

NM_004655.4(AXIN2):c.2237+2T>C

Gene: AXIN2 (axin 2; minus strand). Cytogenetic location: 17q24.1.
Variant type: single nucleotide variant.
Coding change: c.2237+2T>C on transcript NM_004655.4 (MANE Select); the canonical splice donor site of the intron after coding-DNA position 2237, T replaced by C.
Molecular consequence: splice donor variant.
Genome position (GRCh38, 1-based): chr17:65,535,624, A>G on the plus strand (T>C on the coding strand, the complement: AXIN2 is on the minus strand). VCF-style: chr17-65535624-A-G. GRCh37 (hg19) VCF-style: chr17-63531742-A-G.
Other names: c.2042+2T>C (NM_001363813.1).
Identifiers: ClinVar variation 3370962 (VCV003370962.1).

ClinVar aggregate classification (germline): Uncertain significance (1 of 4 stars; one submission).

Submission:

GeneDx
Classification: Uncertain significance. Last evaluated: 2024-03-18. Review status: criteria provided, single submitter. Criteria: GeneDx Variant Classification Process June 2021. Collection method: clinical testing. Allele origin: germline. Affected: yes.
Comment: Not observed at significant frequency in large population cohorts (gnomAD); Canonical splice site variant in a gene or region of a gene for which loss of function is not a well-established mechanism of disease; Has not been previously published as pathogenic or benign to our knowledge